The following is an entry in ClinVar:

ClinVar aggregate classification (germline): Uncertain significance. Review status: criteria provided, multiple submitters, no conflicts (2 of 4 stars). 2 submissions from 2 submitters: Uncertain significance (2). Last evaluated 2021-08-10.

Conditions:
Congenital dyserythropoietic anemia, type II (CDAN2). Also called: DYSERYTHROPOIETIC ANEMIA, HEMPAS TYPE. Identifiers: Orphanet 98873, MedGen C1306589, MONDO:0009134, OMIM 224100.
Cowden syndrome 7 (CWS7). Identifiers: Orphanet 201, MedGen C4225179, MONDO:0014802, OMIM 616858.

Allele frequency attached by ClinVar (database versions not stated): gnomAD exomes below 0.00001; ExAC 0.00001; gnomAD 0.00001.
gnomAD v4.1: 4 of 1,614,108 alleles (0.00025%); highest among the groups gnomAD compares: Admixed American, 0.0017%; no homozygotes.

Submissions (2):

Labcorp Genetics (formerly Invitae), Labcorp
Classification: Uncertain significance for Congenital dyserythropoietic anemia, type II; Cowden syndrome 7. Last evaluated: 2021-08-10. Review status: criteria provided, single submitter. Criteria: Invitae Variant Classification Sherloc (09022015). Collection method: clinical testing. Allele origin: germline.
Comment: This sequence change replaces isoleucine with valine at codon 496 of the SEC23B protein (p.Ile496Val). The isoleucine residue is highly conserved and there is a small physicochemical difference between isoleucine and valine. This variant is present in population databases (rs755836066, ExAC 0.009%). This variant has not been reported in the literature in individuals affected with SEC23B-related conditions. Algorithms developed to predict the effect of missense changes on protein structure and function are either unavailable or do not agree on the potential impact of this missense change (SIFT: "Deleterious"; PolyPhen-2: "Benign"; Align-GVGD: "Class C25"). In summary, the available evidence is currently insufficient to determine the role of this variant in disease. Therefore, it has been classified as a Variant of Uncertain Significance.

Blueprint Genetics
Classification: Uncertain significance. Last evaluated: 2020-11-05. Review status: criteria provided, single submitter. Criteria: ACMG Guidelines, 2015. Collection method: clinical testing. Allele origin: germline.

NM_006363.6(SEC23B):c.1486A>G (p.Ile496Val)

Gene: SEC23B (SEC23 homolog B, COPII component; plus strand). Cytogenetic location: 20p11.23.
Variant type: single nucleotide variant.
Coding change: c.1486A>G on transcript NM_006363.6 (MANE Select); coding-DNA position 1486, A replaced by G.
Protein change: p.Ile496Val; replaces isoleucine 496 with valine.
Molecular consequence: missense variant.
Genome position (GRCh38, 1-based): chr20:18,542,377, A>G. VCF-style: chr20-18542377-A-G. GRCh37 (hg19) VCF-style: chr20-18523021-A-G.
Other names: c.1486A>G, p.Ile496Val (NM_001172745.3, NM_032985.6, NM_032986.5); c.1432A>G, p.Ile478Val (NM_001172746.3); short protein forms I478V, I496V.
Identifiers: ClinVar variation 1466791 (VCV001466791.4), dbSNP rs755836066, ClinGen allele CA9778370.